The following is an entry in ClinVar:

NM_001318895.3(FHL2):c.805G>A (p.Asp269Asn)

Genes: C2orf49 (chromosome 2 open reading frame 49; plus strand), FHL2 (four and a half LIM domains 2; minus strand). Cytogenetic location: 2q12.2.
Variant type: single nucleotide variant.
Coding change: c.805G>A on transcript NM_001318895.3 (MANE Select); coding-DNA position 805, G replaced by A.
Protein change: p.Asp269Asn; replaces aspartic acid 269 with asparagine.
Molecular consequence: missense variant.
Genome position (GRCh38, 1-based): chr2:105,361,318, C>T on the plus strand (G>A on the coding strand, the complement: FHL2 is on the minus strand). VCF-style: chr2-105361318-C-T. GRCh37 (hg19) VCF-style: chr2-105977775-C-T.
Other names: c.805G>A, p.Asp269Asn (NM_001039492.3, NM_001318894.1, NM_001318896.2 and 4 more transcripts); c.463G>A, p.Asp155Asn (NM_001318897.2, NM_001318898.2); c.481G>A, p.Asp161Asn (NM_001318899.2); short protein forms D155N, D161N, D269N.
Identifiers: ClinVar variation 2042048 (VCV002042048.4), dbSNP rs770706113, ClinGen allele CA1814650.

ClinVar aggregate classification (germline): Uncertain significance (1 of 4 stars; one submission).

Conditions:
Primary dilated cardiomyopathy (DCM). Also called: Dilated Cardiomyopathy. Identifiers: Orphanet 217604, MedGen C0007193, MeSH D002311, MONDO:0005021, HP:0001644. Inheritance: Various modes of inheritance.

gnomAD v4.1: 10 of 1,614,070 alleles (0.00062%); highest among the groups gnomAD compares: East Asian, 0.0045%; no homozygotes.

Submission:

Labcorp Genetics (formerly Invitae), Labcorp
Classification: Uncertain significance for Primary dilated cardiomyopathy. Last evaluated: 2022-05-01. Review status: criteria provided, single submitter. Criteria: Invitae Variant Classification Sherloc (09022015). Collection method: clinical testing. Allele origin: germline.
Comment: In summary, the available evidence is currently insufficient to determine the role of this variant in disease. Therefore, it has been classified as a Variant of Uncertain Significance. Algorithms developed to predict the effect of missense changes on protein structure and function are either unavailable or do not agree on the potential impact of this missense change (SIFT: "Tolerated"; PolyPhen-2: "Probably Damaging"; Align-GVGD: "Class C0"). This variant is present in population databases (rs770706113, gnomAD 0.01%). This sequence change replaces aspartic acid, which is acidic and polar, with asparagine, which is neutral and polar, at codon 269 of the FHL2 protein (p.Asp269Asn). This variant has not been reported in the literature in individuals affected with FHL2-related conditions.